The following is an entry in ClinVar:

ClinVar aggregate classification (germline): Pathogenic (1 of 4 stars; one submission).

Conditions:
Primary ciliary dyskinesia. Also called: Ciliary dyskinesia. Identifiers: Orphanet 244, MedGen C0008780, MONDO:0016575, HP:0012265.

Submission:

Labcorp Genetics (formerly Invitae), Labcorp
Classification: Pathogenic for Primary ciliary dyskinesia. Last evaluated: 2022-06-13. Review status: criteria provided, single submitter. Criteria: Invitae Variant Classification Sherloc (09022015). Collection method: clinical testing. Allele origin: germline.
Comment: For these reasons, this variant has been classified as Pathogenic. ClinVar contains an entry for this variant (Variation ID: 1074880). This premature translational stop signal has been observed in individual(s) with primary ciliary dyskinesia (Invitae). This variant is not present in population databases (gnomAD no frequency). This sequence change creates a premature translational stop signal (p.Lys945Argfs*7) in the DNAH5 gene. It is expected to result in an absent or disrupted protein product. Loss-of-function variants in DNAH5 are known to be pathogenic (PMID: 11788826, 16627867).

Literature cited by the submitters: PubMed 11788826; PubMed 16627867.

NM_001369.3(DNAH5):c.2834del (p.Lys945fs)

Genes: DNAH5 (dynein axonemal heavy chain 5; minus strand), DNAH5-AS1 (DNAH5 antisense RNA 1; plus strand). Cytogenetic location: 5p15.2.
Variant type: Deletion.
Coding change: c.2834del on transcript NM_001369.3 (MANE Select); coding-DNA position 2834, one base deleted (A; older notation c.2834delA).
Protein change: p.Lys945fs; shifts the reading frame from lysine 945.
Molecular consequence: frameshift variant.
Genome position (GRCh38, 1-based): chr5:13,885,138, T deleted on the plus strand (A on the coding strand, the reverse complement: DNAH5 is on the minus strand); the first of 5 consecutive T bases (chr5:13,885,138-13,885,142); deleting any one gives the same sequence. VCF-style (leftmost placement, unchanged base first): chr5-13885137-CT-C. GRCh37 (hg19) VCF-style: chr5-13885246-CT-C.
Other names: short protein forms K945fs.
Identifiers: ClinVar variation 1074880 (VCV001074880.9), dbSNP rs2151941712, ClinGen allele CA2499217649.